The following is an entry in ClinVar:

ClinVar aggregate classification (germline): Likely benign (0 of 4 stars; one submission).

Conditions:
APC-related disorder. Also called: APC-related condition.

gnomAD v4.1: 5 of 152,192 alleles (0.0033%); highest among the groups gnomAD compares: Non-Finnish European, 0.0073%; no homozygotes.

Submission:

PreventionGenetics, part of Exact Sciences
Classification: Likely benign for APC-related condition. Last evaluated: 2020-08-17. Review status: no assertion criteria provided. Collection method: clinical testing. Allele origin: germline.
Comment: This variant is classified as likely benign based on ACMG/AMP sequence variant interpretation guidelines (Richards et al. 2015 PMID: 25741868, with internal and published modifications).

NM_001127511.3(APC):c.165+29214A>C

Gene: APC (APC regulator of Wnt signaling pathway; plus strand). Cytogenetic location: 5q22.2.
Variant type: single nucleotide variant.
Coding change: c.165+29214A>C on transcript NM_001127511.3; 29214 bases into the intron after coding-DNA position 165, A replaced by C.
Molecular consequence: intron variant.
Genome position (GRCh38, 1-based): chr5:112,737,096, A>C. VCF-style: chr5-112737096-A-C. GRCh37 (hg19) VCF-style: chr5-112072793-A-C.
Other names: c.-1053-17777A>C (NM_001407470.1, NM_001407472.1); c.-18-17777A>C (NM_001407447.1, NM_001354895.2, NM_001407456.1 and 7 more transcripts); c.165+29214A>C (NM_001407446.1, NM_001354897.2, NM_001354902.2); c.-42-29230A>C (NM_001407453.1).
Identifiers: ClinVar variation 3032951 (VCV003032951.2), dbSNP rs2464810, ClinGen allele CA124948270.